The following is an entry in ClinVar:

NM_000284.4(PDHA1):c.1138_1157dup (p.Phe386fs)

Gene: PDHA1 (pyruvate dehydrogenase E1 subunit alpha 1; plus strand). Cytogenetic location: Xp22.12.
Variant type: Duplication.
Coding change: c.1138_1157dup on transcript NM_000284.4 (MANE Select); coding-DNA positions 1138 to 1157, 20 bases duplicated (GCCAATCAGTGGATCAAGTT).
Protein change: p.Phe386fs; shifts the reading frame from phenylalanine 386.
Molecular consequence: frameshift variant.
Genome position (GRCh38, 1-based): chrX:19,359,618-19,359,637, GCCAATCAGTGGATCAAGTT duplicated; duplicating any 20 consecutive bases within chrX:19,359,617-19,359,637 gives the same sequence; the c. name uses the placement nearest the transcript's 3' end. VCF-style (leftmost placement, unchanged base first): chrX-19359616-G-GTGCCAATCAGTGGATCAAGT. GRCh37 (hg19) VCF-style: chrX-19377734-G-GTGCCAATCAGTGGATCAAGT.
Other names: c.1252_1271dup, p.Phe424fs (NM_001173454.2); c.1159_1178dup, p.Phe393fs (NM_001173455.2); c.1045_1064dup, p.Phe355fs (NM_001173456.2); short protein forms F355fs, F386fs, F393fs, F424fs.
Identifiers: ClinVar variation 4070468 (VCV004070468.1).

ClinVar aggregate classification (germline): Pathogenic (0 of 4 stars; one submission).

Conditions:
Pyruvate dehydrogenase E1-alpha deficiency (PDHAD). Also called: ATAXIA, INTERMITTENT, WITH PYRUVATE DEHYDROGENASE DEFICIENCY; ATAXIA WITH LACTIC ACIDOSIS I; ATAXIA, INTERMITTENT, WITH ABNORMAL PYRUVATE METABOLISM; Ataxia, intermittent, with pyruvate dehydrogenase, or decarboxylase, deficiency. Identifiers: Orphanet 79243, MedGen C1839413, MONDO:0010717, OMIM 312170.

Submission:

PDHA1 Study Group, University Children’s Hospital, Paracelsus Medical University
Classification: Pathogenic for Pyruvate dehydrogenase E1-alpha deficiency. Last evaluated: 2024-10-15. Review status: no assertion criteria provided. Collection method: research. Allele origin: germline. Affected: yes. Observed: 1 variant allele.
Comment: The NM_000284.3:c.1138_1157dup (p.Phe386LeufsTer45) change is a frameshift variant in PDHA1 gene. This variant is predicted to escape nonsense-mediated decay (NMD). Last literature search: July 12, 2024. This variant is absent or extremely rare in population-based cohorts in the Genome Aggregation Database (gnomAD). Individuals harboring this variant presented with clinical features compatible with PDHA1-related PDHc deficiency. In summary, this variant meets criteria to be classified as pathogenic (P) for PDHA1-related PDHc deficiency based on the ACMG/AMP criteria applied: PVS1, PM2, PM7 (last assessment October 15, 2024).

Literature cited by the submitters: DOI 10.1093/brain/awaf430.